The following is an entry in ClinVar:

ClinVar aggregate classification (germline): Conflicting classifications of pathogenicity. Review status: criteria provided, conflicting classifications (1 of 4 stars). 3 submissions from 3 submitters: Uncertain significance (2); Likely benign (1). Last evaluated 2025-07-13.

Allele frequency attached by ClinVar (database versions not stated): TOPMed 0.00016; gnomAD 0.00017 and 0.00018; gnomAD exomes 0.00018; 1000 Genomes Project 0.00020; ExAC 0.00020; ESP Exome Variant Server 0.00023; 1000 Genomes Project 30x 0.00031.
gnomAD v4.1: 319 of 1,604,014 alleles (0.02%); highest among the groups gnomAD compares: Non-Finnish European, 0.024%; no homozygotes.

Submissions (3):

Labcorp Genetics (formerly Invitae), Labcorp
Classification: Uncertain significance. Last evaluated: 2025-07-13. Review status: criteria provided, single submitter. Criteria: Invitae Variant Classification Sherloc (09022015). Collection method: clinical testing. Allele origin: germline.
Comment: This sequence change replaces arginine, which is basic and polar, with tryptophan, which is neutral and slightly polar, at codon 645 of the REST protein (p.Arg645Trp). This variant is present in population databases (rs138773727, gnomAD 0.04%), and has an allele count higher than expected for a pathogenic variant. This variant has not been reported in the literature in individuals affected with REST-related conditions. ClinVar contains an entry for this variant (Variation ID: 843088). An algorithm developed to predict the effect of missense changes on protein structure and function (PolyPhen-2) suggests that this variant is likely to be tolerated. In summary, the available evidence is currently insufficient to determine the role of this variant in disease. Therefore, it has been classified as a Variant of Uncertain Significance.

CeGaT Center for Human Genetics Tuebingen
Classification: Likely benign. Last evaluated: 2024-01-01. Review status: criteria provided, single submitter. Criteria: CeGaT Center For Human Genetics Tuebingen Variant Classification Criteria Version 2. Collection method: clinical testing. Allele origin: germline. Affected: yes. Observed: 1 variant allele.
Comment: REST: BP4

GeneDx
Classification: Uncertain significance. Last evaluated: 2020-09-30. Review status: criteria provided, single submitter. Criteria: GeneDx Variant Classification Process June 2021. Collection method: clinical testing. Allele origin: germline. Affected: yes.
Comment: In silico analysis supports that this missense variant does not alter protein structure/function; Has not been previously published as pathogenic or benign to our knowledge

NM_005612.5(REST):c.1933C>T (p.Arg645Trp)

Gene: REST (RE1 silencing transcription factor; plus strand). Cytogenetic location: 4q12.
Variant type: single nucleotide variant.
Coding change: c.1933C>T on transcript NM_005612.5 (MANE Select); coding-DNA position 1933, C replaced by T.
Protein change: p.Arg645Trp; replaces arginine 645 with tryptophan.
Molecular consequence: missense variant.
Genome position (GRCh38, 1-based): chr4:56,930,791, C>T. VCF-style: chr4-56930791-C-T. GRCh37 (hg19) VCF-style: chr4-57796957-C-T.
Other names: c.1933C>T, p.Arg645Trp (NM_001193508.2, NM_001363453.3); short protein forms R645W.
Identifiers: ClinVar variation 843088 (VCV000843088.31), dbSNP rs138773727, ClinGen allele CA2932354.